The following is an entry in ClinVar:

NM_003872.3(NRP2):c.1641+24G>T

Gene: NRP2 (neuropilin 2; plus strand). Cytogenetic location: 2q33.3.
Variant type: single nucleotide variant.
Coding change: c.1641+24G>T on transcript NM_003872.3 (MANE Select); 24 bases into the intron after coding-DNA position 1641, G replaced by T.
Molecular consequence: intron variant. On other transcripts: synonymous variant (1).
Genome position (GRCh38, 1-based): chr2:205,743,576, G>T. VCF-style: chr2-205743576-G-T. GRCh37 (hg19) VCF-style: chr2-206608300-G-T.
Other names: c.1665G>T, p.Leu555= (NM_201264.2); c.1641+24G>T (NM_201266.2, NM_201279.2, NM_018534.4 and 1 more transcripts).
Identifiers: ClinVar variation 3036372 (VCV003036372.2), dbSNP rs761804910, ClinGen allele CA2069139.

ClinVar aggregate classification (germline): Likely benign (0 of 4 stars; one submission).

Conditions:
NRP2-related disorder. Also called: NRP2-related condition.

Allele frequency attached by ClinVar (database versions not stated): gnomAD 0.00001; TOPMed 0.00003; ExAC 0.00004; gnomAD exomes 0.00004.
gnomAD v4.1: 23 of 1,612,584 alleles (0.0014%); highest among the groups gnomAD compares: Admixed American, 0.038%; no homozygotes.

Submission:

PreventionGenetics, part of Exact Sciences
Classification: Likely benign for NRP2-related condition. Last evaluated: 2022-10-20. Review status: no assertion criteria provided. Collection method: clinical testing. Allele origin: germline.
Comment: This variant is classified as likely benign based on ACMG/AMP sequence variant interpretation guidelines (Richards et al. 2015 PMID: 25741868, with internal and published modifications).